The following is an entry in ClinVar:

ClinVar aggregate classification (germline): Uncertain significance (1 of 4 stars; one submission).

Conditions:
Hereditary cancer-predisposing syndrome. Also called: Tumor predisposition; Hereditary neoplastic syndrome; Hereditary Cancer Syndrome; Neoplastic Syndromes, Hereditary. Identifiers: Orphanet 140162, MedGen C0027672, MeSH D009386, MONDO:0015356.

Submission:

Ambry Genetics
Classification: Uncertain significance for Hereditary cancer-predisposing syndrome. Last evaluated: 2025-05-22. Review status: criteria provided, single submitter. Criteria: Ambry Variant Classification Scheme 2023. Collection method: clinical testing. Allele origin: germline.
Comment: The c.1839A>T variant (also known as p.P613P), located in coding exon 13 of the TSC1 gene, results from an A to T substitution at nucleotide position 1839. This nucleotide substitution does not change the amino acid at codon 613. However, this change occurs in the base pair of coding exon 13, which makes it likely to have some effect on normal mRNA splicing. This nucleotide position is not well conserved in available vertebrate species. In silico splice site analysis predicts that this alteration may result in the creation or strengthening of a novel splice acceptor site; however, direct evidence is insufficient at this time (Ambry internal data). Based on the available evidence, the clinical significance of this variant remains unclear.

NM_000368.5(TSC1):c.1839A>T (p.Pro613=)

Gene: TSC1 (TSC complex subunit 1; minus strand). Cytogenetic location: 9q34.13.
Variant type: single nucleotide variant.
Coding change: c.1839A>T on transcript NM_000368.5 (MANE Select); coding-DNA position 1839, A replaced by T.
Protein change: p.Pro613=; no amino-acid change (proline 613 retained).
Molecular consequence: synonymous variant. On other transcripts: non-coding transcript variant (5).
Genome position (GRCh38, 1-based): chr9:132,905,739, T>A on the plus strand (A>T on the coding strand, the complement: TSC1 is on the minus strand). VCF-style: chr9-132905739-T-A. GRCh37 (hg19) VCF-style: chr9-135781126-T-A.
Other names: c.1839A>T, p.Pro613= (NM_001406595.1, NM_001406596.1, NM_001406601.1 and 7 more transcripts); c.1836A>T, p.Pro612= (NM_001406597.1, NM_001406598.1, NM_001406599.1 and 6 more transcripts); c.1686A>T, p.Pro562= (NM_001406610.1, NM_001162427.2); c.1683A>T, p.Pro561= (NM_001406611.1, NM_001406612.1, NM_001406613.1); c.1476A>T, p.Pro492= (NM_001406614.1, NM_001406615.1, NM_001406616.1 and 5 more transcripts); c.1473A>T, p.Pro491= (NM_001406620.1, NM_001406621.1, NM_001406622.1 and 2 more transcripts); c.888A>T, p.Pro296= (NM_001406626.1); c.885A>T, p.Pro295= (NM_001406627.1, NM_001406628.1); and 1 more.
Identifiers: ClinVar variation 3974564 (VCV003974564.1).
Genomic context (GRCh38, chr9:132,905,739, plus strand): 5'-TCCTTTTGCTTTCTTTAACAGCTCCTCAGTCTTCCTGATGACAAAATGATGGGCTGTCTT[T>A]GGCAATGCCACCTCAAAAAGATGATCATACGGGGGAGGCTGCCCGCTTCCAAAGCCCACT-3'
Protein context (NP_000359.1, residues 603-623): PYDHLFEVAL[Pro613=]KTAHHFVIRK